The following is an entry in ClinVar:

NM_001457.4(FLNB):c.3256G>A (p.Glu1086Lys)

Gene: FLNB (filamin B; plus strand). Cytogenetic location: 3p14.3.
Variant type: single nucleotide variant.
Coding change: c.3256G>A on transcript NM_001457.4 (MANE Select); coding-DNA position 3256, G replaced by A.
Protein change: p.Glu1086Lys; replaces glutamic acid 1086 with lysine.
Molecular consequence: missense variant.
Genome position (GRCh38, 1-based): chr3:58,123,222, G>A. VCF-style: chr3-58123222-G-A. GRCh37 (hg19) VCF-style: chr3-58108949-G-A.
Other names: c.3256G>A, p.Glu1086Lys (NM_001164317.2, NM_001164318.2, NM_001164319.2); short protein forms E1086K.
Identifiers: ClinVar variation 1308893 (VCV001308893.7), dbSNP rs1350556067, ClinGen allele CA353348416.

ClinVar aggregate classification (germline): Uncertain significance. Review status: criteria provided, multiple submitters, no conflicts (2 of 4 stars). 2 submissions from 2 submitters: Uncertain significance (2). Last evaluated 2023-07-17.

Allele frequency attached by ClinVar (database versions not stated): gnomAD exomes below 0.00001; gnomAD 0.00001.
gnomAD v4.1: 13 of 1,613,970 alleles (0.00081%); highest among the groups gnomAD compares: South Asian, 0.0022%; no homozygotes.

Submissions (2):

Labcorp Genetics (formerly Invitae), Labcorp
Classification: Uncertain significance. Last evaluated: 2023-07-17. Review status: criteria provided, single submitter. Criteria: Invitae Variant Classification Sherloc (09022015). Collection method: clinical testing. Allele origin: germline.
Comment: ClinVar contains an entry for this variant (Variation ID: 1308893). In summary, the available evidence is currently insufficient to determine the role of this variant in disease. Therefore, it has been classified as a Variant of Uncertain Significance. Advanced modeling of protein sequence and biophysical properties (such as structural, functional, and spatial information, amino acid conservation, physicochemical variation, residue mobility, and thermodynamic stability) performed at Invitae indicates that this missense variant is not expected to disrupt FLNB protein function. This variant has not been reported in the literature in individuals affected with FLNB-related conditions. This variant is present in population databases (no rsID available, gnomAD 0.003%). This sequence change replaces glutamic acid, which is acidic and polar, with lysine, which is basic and polar, at codon 1086 of the FLNB protein (p.Glu1086Lys).

GeneDx
Classification: Uncertain significance. Last evaluated: 2019-10-02. Review status: criteria provided, single submitter. Criteria: GeneDx Variant Classification Process June 2021. Collection method: clinical testing. Allele origin: germline. Affected: yes.
Comment: Not observed at a significant frequency in large population cohorts (Lek et al., 2016); In silico analysis, which includes protein predictors and evolutionary conservation, supports a deleterious effect; Has not been previously published as pathogenic or benign to our knowledge